The following is an entry in ClinVar:

ClinVar aggregate classification (germline): Pathogenic (1 of 4 stars; one submission).

Conditions:
Developmental and epileptic encephalopathy. Identifiers: MedGen C5779964, MONDO:0100620.

Submission:

Labcorp Genetics (formerly Invitae), Labcorp
Classification: Pathogenic for Early infantile epileptic encephalopathy with suppression bursts. Last evaluated: 2019-11-22. Review status: criteria provided, single submitter. Criteria: Invitae Variant Classification Sherloc (09022015). Collection method: clinical testing. Allele origin: germline.
Comment: A gross deletion of the genomic region encompassing the full coding sequence of the KCNQ2 gene has been identified. The boundaries of this event are unknown as the deletion extends beyond the assayed region for this gene and therefore may encompass additional genes. Isolated whole-gene deletions of KCNQ2 have not been reported in the literature. However, larger copy number events that include this gene have been reported in individuals affected with epilepsy and benign neonatal seizures (PMID: 24811917, 23360469, 19822871, 29215089, 25052858). Loss-of-function variants in KCNQ2 are known to be pathogenic (PMID: 14534157, 23692823, 25951140, 25959266, 26758118, 27779742). For these reasons, this variant has been classified as Pathogenic.

Literature cited by the submitters: PubMed 25052858; PubMed 23360469; PubMed 19822871; PubMed 24811917; PubMed 29215089.

NC_000020.10:g.(?_61977556)_(62562941_?)del

Genes: HELZ2 (helicase with zinc finger 2; minus strand), KCNQ2 (potassium voltage-gated channel subfamily Q member 2; minus strand), LIME1 (Lck interacting transmembrane adaptor 1; plus strand), PPDPF (pancreatic progenitor cell differentiation and proliferation factor; plus strand), PTK6 (protein tyrosine kinase 6; minus strand) and 15 more. Cytogenetic location: 20q13.33.
Variant type: Deletion.
Identifiers: ClinVar variation 830535 (VCV000830535.3).